The following is an entry in ClinVar:

NM_000381.4(MID1):c.1230C>T (p.Ser410=)

Gene: MID1 (midline 1; minus strand). Cytogenetic location: Xp22.2.
Variant type: single nucleotide variant.
Coding change: c.1230C>T on transcript NM_000381.4 (MANE Select); coding-DNA position 1230, C replaced by T.
Protein change: p.Ser410=; no amino-acid change (serine 410 retained).
Molecular consequence: synonymous variant.
Genome position (GRCh38, 1-based): chrX:10,469,752, G>A on the plus strand (C>T on the coding strand, the complement: MID1 is on the minus strand). VCF-style: chrX-10469752-G-A. GRCh37 (hg19) VCF-style: chrX-10437792-G-A.
Other names: c.1230C>T, p.Ser410= (NM_001098624.2, NM_001193277.1, NM_001193279.1 and 2 more transcripts); c.1383C>T, p.Ser461= (NM_001193278.1); c.1116C>T, p.Ser372= (NM_001193280.1, NM_033289.2).
Identifiers: ClinVar variation 92873 (VCV000092873.26), dbSNP rs16986145, ClinGen allele CA146054.

ClinVar aggregate classification (germline): Benign. Review status: criteria provided, multiple submitters, no conflicts (2 of 4 stars). 8 submissions from 8 submitters: Benign (7). 1 of the submissions does not count toward it. Last evaluated 2026-02-04.

Conditions:
Inborn genetic diseases. Identifiers: MedGen C0950123, MeSH D030342.

Allele frequency attached by ClinVar (database versions not stated): gnomAD exomes 0.01757 and 0.02538; ExAC 0.02947; gnomAD 0.05929 and 0.06185; TOPMed 0.06620; 1000 Genomes Project 0.06993; 1000 Genomes Project 30x 0.07367; ESP Exome Variant Server 0.07498.
gnomAD v4.1: 26,223 of 1,208,032 alleles (2.2%); highest among the groups gnomAD compares: African/African-American, 18%; 843 homozygotes.

Submissions (8):

Labcorp Genetics (formerly Invitae), Labcorp
Classification: Benign. Last evaluated: 2026-02-04. Review status: criteria provided, single submitter. Criteria: Invitae Variant Classification Sherloc (09022015). Collection method: clinical testing. Allele origin: germline.

Women's Health and Genetics/Laboratory Corporation of America, LabCorp
Classification: Benign. Last evaluated: 2025-11-14. Review status: criteria provided, single submitter. Criteria: LabCorp Variant Classification Summary - May 2015. Collection method: clinical testing. Allele origin: germline.

Blueprint Genetics
Classification: Benign. Last evaluated: 2024-11-28. Review status: criteria provided, single submitter. Criteria: ACMG Guidelines, 2015. Collection method: clinical testing. Allele origin: germline.

GeneDx
Classification: Benign. Last evaluated: 2021-05-04. Review status: criteria provided, single submitter. Criteria: GeneDx Variant Classification Process June 2021. Collection method: clinical testing. Allele origin: germline. Affected: yes.

Ambry Genetics
Classification: Benign for Inborn genetic diseases. Last evaluated: 2014-12-13. Review status: criteria provided, single submitter. Criteria: Ambry Variant Classification Scheme 2023. Collection method: clinical testing. Allele origin: germline.

Eurofins Ntd Llc (ga)
Classification: Benign. Last evaluated: 2012-10-08. Review status: criteria provided, single submitter. Criteria: EGL Classification Definitions 2015. Collection method: clinical testing. Allele origin: germline. Observed: 5 variant alleles, 1 heterozygote, 1 homozygote, 3 hemizygotes.

Breakthrough Genomics
Classification: Benign. Review status: criteria provided, single submitter. Criteria: ACMG Guidelines, 2015. Collection method: not provided. Allele origin: germline. Inheritance: X-linked inheritance. Affected: yes.

Genetic Services Laboratory, University of Chicago
Classification: Likely benign for AllHighlyPenetrant. Review status: no assertion criteria provided. Collection method: clinical testing. Allele origin: germline. Inheritance: X-linked inheritance. Not counted in ClinVar's aggregate classification.
Comment: Likely benign based on allele frequency in 1000 Genomes Project or ESP global frequency and its presence in a patient with a rare or unrelated disease phenotype. NOT Sanger confirmed.